The following is an entry in ClinVar:

NM_003072.5(SMARCA4):c.1933A>G (p.Met645Val)

Gene: SMARCA4 (SWI/SNF related BAF chromatin remodeling complex subunit ATPase 4; plus strand). Cytogenetic location: 19p13.2.
Variant type: single nucleotide variant.
Coding change: c.1933A>G on transcript NM_003072.5 (MANE Select); coding-DNA position 1933, A replaced by G.
Protein change: p.Met645Val; replaces methionine 645 with valine.
Molecular consequence: missense variant. On other transcripts: non-coding transcript variant (1).
Genome position (GRCh38, 1-based): chr19:11,003,149, A>G. VCF-style: chr19-11003149-A-G. GRCh37 (hg19) VCF-style: chr19-11113825-A-G.
Other names: c.1933A>G, p.Met645Val (NM_001128844.3, NM_001128845.2, NM_001128846.2 and 5 more transcripts); short protein forms M645V.
Identifiers: ClinVar variation 649005 (VCV000649005.14), dbSNP rs763375817, ClinGen allele CA9203931.

ClinVar aggregate classification (germline): Uncertain significance. Review status: criteria provided, multiple submitters, no conflicts (2 of 4 stars). 2 submissions from 2 submitters: Uncertain significance (2). Last evaluated 2025-06-03.

Conditions:
Hereditary cancer-predisposing syndrome. Also called: Neoplastic Syndromes, Hereditary; Tumor predisposition; Hereditary Cancer Syndrome; Hereditary neoplastic syndrome. Identifiers: Orphanet 140162, MedGen C0027672, MeSH D009386, MONDO:0015356.
Rhabdoid tumor predisposition syndrome 2 (RTPS2). Identifiers: Orphanet 231108, Orphanet 69077, MedGen C2750074, MONDO:0013224, OMIM 613325.

Allele frequency attached by ClinVar (database versions not stated): gnomAD exomes below 0.00001; ExAC 0.00001.
gnomAD v4.1: 2 of 1,614,120 alleles (0.00012%); highest among the groups gnomAD compares: South Asian, 0.0022%; no homozygotes.

Submissions (2):

Labcorp Genetics (formerly Invitae), Labcorp
Classification: Uncertain significance for Rhabdoid tumor predisposition syndrome 2. Last evaluated: 2025-06-03. Review status: criteria provided, single submitter. Criteria: Invitae Variant Classification Sherloc (09022015). Collection method: clinical testing. Allele origin: germline.
Comment: This sequence change replaces methionine, which is neutral and non-polar, with valine, which is neutral and non-polar, at codon 645 of the SMARCA4 protein (p.Met645Val). This variant is present in population databases (rs763375817, gnomAD 0.003%). This variant has not been reported in the literature in individuals affected with SMARCA4-related conditions. ClinVar contains an entry for this variant (Variation ID: 649005). Invitae Evidence Modeling of protein sequence and biophysical properties (such as structural, functional, and spatial information, amino acid conservation, physicochemical variation, residue mobility, and thermodynamic stability) has been performed for this missense variant. However, the output from this modeling did not meet the statistical confidence thresholds required to predict the impact of this variant on SMARCA4 protein function. In summary, the available evidence is currently insufficient to determine the role of this variant in disease. Therefore, it has been classified as a Variant of Uncertain Significance.

Ambry Genetics
Classification: Uncertain significance for Hereditary cancer-predisposing syndrome. Last evaluated: 2024-08-05. Review status: criteria provided, single submitter. Criteria: Ambry Variant Classification Scheme 2023. Collection method: clinical testing. Allele origin: germline.
Comment: The p.M645V variant (also known as c.1933A>G), located in coding exon 11 of the SMARCA4 gene, results from an A to G substitution at nucleotide position 1933. The methionine at codon 645 is replaced by valine, an amino acid with highly similar properties. This amino acid position is highly conserved in available vertebrate species. In addition, the in silico prediction for this alteration is inconclusive. Since supporting evidence is limited at this time, the clinical significance of this alteration remains unclear.